The following is an entry in ClinVar:

ClinVar aggregate classification (germline): Uncertain significance (1 of 4 stars; one submission).

Submission:

Ambry Genetics
Classification: Uncertain significance. Last evaluated: 2025-06-15. Review status: criteria provided, single submitter. Criteria: Ambry Variant Classification Scheme 2023. Collection method: clinical testing. Allele origin: germline.
Comment: The p.T266I variant (also known as c.797C>T), located in coding exon 8 of the ILK gene, results from a C to T substitution at nucleotide position 797. The threonine at codon 266 is replaced by isoleucine, an amino acid with similar properties. This amino acid position is conserved. In addition, this alteration is predicted to be tolerated by in silico analysis. Based on the available evidence, the clinical significance of this variant remains unclear.

NM_004517.4(ILK):c.797C>T (p.Thr266Ile)

Genes: ILK (integrin linked kinase; plus strand), TAF10 (TATA-box binding protein associated factor 10; minus strand). Cytogenetic location: 11p15.4.
Variant type: single nucleotide variant.
Coding change: c.797C>T on transcript NM_004517.4 (MANE Select); coding-DNA position 797, C replaced by T.
Protein change: p.Thr266Ile; replaces threonine 266 with isoleucine.
Molecular consequence: missense variant. On other transcripts: 3 prime UTR variant (1).
Genome position (GRCh38, 1-based): chr11:6,609,580, C>T. VCF-style: chr11-6609580-C-T. GRCh37 (hg19) VCF-style: chr11-6630811-C-T.
Other names: c.797C>T, p.Thr266Ile (NM_001014794.3, NM_001014795.3); c.614C>T, p.Thr205Ile (NM_001278441.2); c.395C>T, p.Thr132Ile (NM_001278442.2); c.*1342G>A (NM_006284.4); short protein forms T205I, T132I, T266I.
Identifiers: ClinVar variation 4275254 (VCV004275254.1).